The following is an entry in ClinVar:

NM_177438.3(DICER1):c.4415T>A (p.Phe1472Tyr)

Gene: DICER1 (dicer 1, ribonuclease III; minus strand). Cytogenetic location: 14q32.13.
Variant type: single nucleotide variant.
Coding change: c.4415T>A on transcript NM_177438.3 (MANE Select); coding-DNA position 4415, T replaced by A.
Protein change: p.Phe1472Tyr; replaces phenylalanine 1472 with tyrosine.
Molecular consequence: missense variant. On other transcripts: non-coding transcript variant (6).
Genome position (GRCh38, 1-based): chr14:95,096,505, A>T on the plus strand (T>A on the coding strand, the complement: DICER1 is on the minus strand). VCF-style: chr14-95096505-A-T. GRCh37 (hg19) VCF-style: chr14-95562842-A-T.
Other names: c.4415T>A, p.Phe1472Tyr (NM_001195573.1, NM_001271282.3, NM_001291628.2 and 12 more transcripts); c.4133T>A, p.Phe1378Tyr (NM_001395686.1); c.4010T>A, p.Phe1337Tyr (NM_001395687.1, NM_001395688.1, NM_001395689.1 and 2 more transcripts); c.3848T>A, p.Phe1283Tyr (NM_001395691.1); c.2732T>A, p.Phe911Tyr (NM_001395697.1); short protein forms F1378Y, F1472Y, F1283Y, F1337Y, F911Y.
Identifiers: ClinVar variation 3501973 (VCV003501973.1).

ClinVar aggregate classification (germline): Uncertain significance (1 of 4 stars; one submission).

Conditions:
Hereditary cancer-predisposing syndrome. Also called: Tumor predisposition; Neoplastic Syndromes, Hereditary; Hereditary Cancer Syndrome; Hereditary neoplastic syndrome. Identifiers: Orphanet 140162, MedGen C0027672, MeSH D009386, MONDO:0015356.

Submission:

Ambry Genetics
Classification: Uncertain significance for Hereditary cancer-predisposing syndrome. Last evaluated: 2024-12-09. Review status: criteria provided, single submitter. Criteria: Ambry Variant Classification Scheme 2023. Collection method: clinical testing. Allele origin: germline.
Comment: The p.F1472Y variant (also known as c.4415T>A), located in coding exon 22 of the DICER1 gene, results from a T to A substitution at nucleotide position 4415. The phenylalanine at codon 1472 is replaced by tyrosine, an amino acid with highly similar properties. This amino acid position is conserved. In addition, the in silico prediction for this alteration is inconclusive. Based on the available evidence, the clinical significance of this variant remains unclear.